The following is an entry in ClinVar:

NM_001378328.1(CELSR1):c.103_122dup (p.Phe42fs)

Gene: CELSR1 (cadherin EGF LAG seven-pass G-type receptor 1; minus strand). Cytogenetic location: 22q13.31.
Variant type: Duplication.
Coding change: c.103_122dup on transcript NM_001378328.1 (MANE Select); coding-DNA positions 103 to 122, 20 bases duplicated (GTACCCGGCGGGACCCGCGC).
Protein change: p.Phe42fs; shifts the reading frame from phenylalanine 42.
Molecular consequence: frameshift variant.
Genome position (GRCh38, 1-based): chr22:46,537,049-46,537,068, GCGCGGGTCCCGCCGGGTAC duplicated on the plus strand (GTACCCGGCGGGACCCGCGC on the coding strand, the reverse complement: CELSR1 is on the minus strand); duplicating any 20 consecutive bases within chr22:46,537,049-46,537,074 gives the same sequence; the c. name uses the placement nearest the transcript's 3' end. VCF-style (leftmost placement, unchanged base first): chr22-46537048-G-GGCGCGGGTCCCGCCGGGTAC. GRCh37 (hg19) VCF-style: chr22-46932945-G-GGCGCGGGTCCCGCCGGGTAC.
Other names: c.103_122dup, p.Phe42fs (NM_014246.4); short protein forms F42fs.
Identifiers: ClinVar variation 3898672 (VCV003898672.7).

ClinVar aggregate classification (germline): Pathogenic (1 of 4 stars; one submission).

Submission:

CeGaT Center for Human Genetics Tuebingen
Classification: Pathogenic. Last evaluated: 2025-04-01. Review status: criteria provided, single submitter. Criteria: CeGaT Center For Human Genetics Tuebingen Variant Classification Criteria Version 2. Collection method: clinical testing. Allele origin: germline. Affected: yes. Observed: 1 variant allele.
Comment: CELSR1: PVS1, PM2